The following is an entry in ClinVar:

NM_020975.6(RET):c.1897_1899del (p.Leu633del)

Gene: RET (ret proto-oncogene; plus strand). Cytogenetic location: 10q11.21.
Variant type: Deletion.
Coding change: c.1897_1899del on transcript NM_020975.6 (MANE Select); coding-DNA positions 1897 to 1899, 3 bases deleted (CTG; older notation c.1897_1899delCTG).
Protein change: p.Leu633del; deletes leucine 633.
Molecular consequence: inframe deletion. On other transcripts: inframe indel (38).
Genome position (GRCh38, 1-based): chr10:43,114,497-43,114,499, CTG deleted; deleting any 3 consecutive bases within chr10:43,114,496-43,114,499 gives the same sequence; the c. name uses the placement nearest the transcript's 3' end. VCF-style (leftmost placement, unchanged base first): chr10-43114495-AGCT-A. GRCh37 (hg19) VCF-style: chr10-43609943-AGCT-A.
Other names: c.1897_1899delCTG, p.Leu633del (NM_000323.2, NM_001406743.1, NM_001406744.1 and 4 more transcripts); c.1135_1137delCTG, p.Leu379del (NM_001355216.2); c.1768_1770delCTG, p.Leu590del (NM_001406761.1, NM_001406762.1, NM_001406764.1); c.1609_1611delCTG, p.Leu537del (NM_001406766.1, NM_001406767.1, NM_001406770.1); c.1501_1503delCTG, p.Leu501del (NM_001406769.1, NM_001406772.1); c.1459_1461delCTG, p.Leu487del (NM_001406771.1, NM_001406773.1); c.1372_1374delCTG, p.Leu458del (NM_001406774.1); c.1171_1173delCTG, p.Leu391del (NM_001406775.1, NM_001406776.1, NM_001406777.1 and 1 more transcripts); and 7 more; short protein forms L150del, L198del, L238del, L291del, L294del, L303del, L334del, L379del.
Identifiers: ClinVar variation 1709666 (VCV001709666.2), dbSNP rs2538493885, ClinGen allele CA2580081712.

ClinVar aggregate classification (germline): Uncertain significance (1 of 4 stars; one submission).

Conditions:
Multiple endocrine neoplasia type 2A. Also called: MULTIPLE ENDOCRINE NEOPLASIA, TYPE IIA; PTC SYNDROME; SIPPLE SYNDROME; MEN 2A; MEN-2A syndrome; Pheochromocytoma and amyloid producing medullary thyroid carcinoma. Identifiers: Orphanet 247698, Orphanet 653, MedGen C0025268, MeSH D018813, MONDO:0008234, OMIM 171400.

Submission:

MGZ Medical Genetics Center
Classification: Uncertain significance for Multiple endocrine neoplasia type 2A. Last evaluated: 2022-07-18. Review status: criteria provided, single submitter. Criteria: ACMG Guidelines, 2015. Collection method: clinical testing. Allele origin: germline. Affected: yes. Observed: 2 variant alleles.
Comment: ACMG criteria applied: PM2_SUP